The following is an entry in ClinVar:

NM_177438.3(DICER1):c.3562del (p.Ser1188fs)

Gene: DICER1 (dicer 1, ribonuclease III; minus strand). Cytogenetic location: 14q32.13.
Variant type: Deletion.
Coding change: c.3562del on transcript NM_177438.3 (MANE Select); coding-DNA position 3562, one base deleted (A; older notation c.3562delA).
Protein change: p.Ser1188fs; shifts the reading frame from serine 1188.
Molecular consequence: frameshift variant. On other transcripts: non-coding transcript variant (6).
Genome position (GRCh38, 1-based): chr14:95,103,834, T deleted on the plus strand (A on the coding strand, the reverse complement: DICER1 is on the minus strand). VCF-style (leftmost placement, unchanged base first): chr14-95103833-CT-C. GRCh37 (hg19) VCF-style: chr14-95570170-CT-C.
Other names: c.3562del, p.Ser1188fs (NM_001195573.1, NM_001271282.3, NM_001291628.2 and 12 more transcripts); c.3280del, p.Ser1094fs (NM_001395686.1); c.3157del, p.Ser1053fs (NM_001395687.1, NM_001395688.1, NM_001395689.1 and 2 more transcripts); c.2995del, p.Ser999fs (NM_001395691.1); c.1879del, p.Ser627fs (NM_001395697.1); short protein forms S1053fs, S1188fs, S627fs, S999fs, S1094fs.
Identifiers: ClinVar variation 4714200 (VCV004714200.1).

ClinVar aggregate classification (germline): Pathogenic (1 of 4 stars; one submission).

Conditions:
DICER1-related tumor predisposition. Also called: DICER1 syndrome; DICER1-related pleuropulmonary blastoma cancer predisposition syndrome. Identifiers: Orphanet 284343, MedGen C3839822, MONDO:0100216.

Submission:

Labcorp Genetics (formerly Invitae), Labcorp
Classification: Pathogenic for DICER1-related tumor predisposition. Last evaluated: 2025-03-03. Review status: criteria provided, single submitter. Criteria: Invitae Variant Classification Sherloc (09022015). Collection method: clinical testing. Allele origin: germline.
Comment: This sequence change creates a premature translational stop signal (p.Ser1188Valfs*4) in the DICER1 gene. It is expected to result in an absent or disrupted protein product. Loss-of-function variants in DICER1 are known to be pathogenic (PMID: 19556464, 21266384). This variant is not present in population databases (gnomAD no frequency). This variant has not been reported in the literature in individuals affected with DICER1-related conditions. For these reasons, this variant has been classified as Pathogenic.

Literature cited by the submitters: PubMed 19556464; PubMed 21266384.